The following is an entry in ClinVar:

ClinVar aggregate classification (germline): Uncertain significance. Review status: criteria provided, multiple submitters, no conflicts (2 of 4 stars). 2 submissions from 2 submitters: Uncertain significance (2). Last evaluated 2025-08-29.

Conditions:
SMCHD1-related disorder. Also called: SMCHD1-related condition.
Facioscapulohumeral muscular dystrophy 2 (FSHD2). Also called: FACIOSCAPULOHUMERAL MUSCULAR DYSTROPHY 2, DIGENIC; FSHD2, DIGENIC; MUSCULAR DYSTROPHY, FACIOSCAPULOHUMERAL, TYPE 1B. Identifiers: Orphanet 269, MedGen C1834671, MONDO:0008031, OMIM 158901.

Submissions (2):

Labcorp Genetics (formerly Invitae), Labcorp
Classification: Uncertain significance for Facioscapulohumeral muscular dystrophy 2. Last evaluated: 2025-08-29. Review status: criteria provided, single submitter. Criteria: Invitae Variant Classification Sherloc (09022015). Collection method: clinical testing. Allele origin: germline.
Comment: This sequence change replaces proline, which is neutral and non-polar, with arginine, which is basic and polar, at codon 1986 of the SMCHD1 protein (p.Pro1986Arg). This variant is not present in population databases (gnomAD no frequency). This variant has not been reported in the literature in individuals affected with SMCHD1-related conditions. Invitae Evidence Modeling of protein sequence and biophysical properties (such as structural, functional, and spatial information, amino acid conservation, physicochemical variation, residue mobility, and thermodynamic stability) indicates that this missense variant is not expected to disrupt SMCHD1 protein function with a negative predictive value of 80%. In summary, the available evidence is currently insufficient to determine the role of this variant in disease. Therefore, it has been classified as a Variant of Uncertain Significance.

PreventionGenetics, part of Exact Sciences
Classification: Uncertain significance for SMCHD1-related condition. Last evaluated: 2025-04-30. Review status: criteria provided, single submitter. Criteria: ACMG Guidelines, 2015. Collection method: clinical testing. Allele origin: germline.
Comment: The SMCHD1 c.5957C>G variant is predicted to result in the amino acid substitution p.Pro1986Arg. To our knowledge, this variant has not been reported in the literature. This variant has not been reported in a large population database (gnomAD), indicating this variant is rare. At this time, the clinical significance of this variant is uncertain due to the absence of conclusive functional and genetic evidence.

NM_015295.3(SMCHD1):c.5957C>G (p.Pro1986Arg)

Gene: SMCHD1 (structural maintenance of chromosomes flexible hinge domain containing 1; plus strand). Cytogenetic location: 18p11.32.
Variant type: single nucleotide variant.
Coding change: c.5957C>G on transcript NM_015295.3 (MANE Select); coding-DNA position 5957, C replaced by G.
Protein change: p.Pro1986Arg; replaces proline 1986 with arginine.
Molecular consequence: missense variant.
Genome position (GRCh38, 1-based): chr18:2,796,485, C>G. VCF-style: chr18-2796485-C-G. GRCh37 (hg19) VCF-style: chr18-2796483-C-G.
Other names: c.5957C>G (NM_015295.2); short protein forms P1986R.
Identifiers: ClinVar variation 4780604 (VCV004780604.2).